The following is an entry in ClinVar:

ClinVar aggregate classification (germline): Uncertain significance. Review status: criteria provided, multiple submitters, no conflicts (2 of 4 stars). 5 submissions from 5 submitters: Uncertain significance (5). Last evaluated 2025-07-15.

Conditions:
Geleophysic dysplasia 2 (GPHYSD2). Identifiers: Orphanet 2623, MedGen C3280054, MONDO:0013612, OMIM 614185.
Ectopia lentis 1, isolated, autosomal dominant (ECTOL1). Identifiers: Orphanet 1885, MedGen C3541518, MONDO:0007514, OMIM 129600.
MASS syndrome (OCTD). Also called: OVERLAP CONNECTIVE TISSUE DISEASE; MASS PHENOTYPE. Identifiers: MedGen C1858556, MONDO:0011431, OMIM 604308.
Weill-Marchesani syndrome 2, dominant. Also called: FBN1-Related Weill-Marchesani Syndrome; Weill-Marchesani Syndrome, Autosomal Dominant. Identifiers: Orphanet 2084, MedGen C1869115, MONDO:0012013, OMIM 608328.
Acromicric dysplasia (ACMICD). Also called: Acromicric skeletal dysplasia. Identifiers: Orphanet 969, MedGen C0265287, MONDO:0007055, OMIM 102370.
Marfan syndrome (MFS). Also called: FBN1-Related Marfan Syndrome; Marfan's syndrome; MARFAN SYNDROME, TYPE I; Marfan syndrome type 1; Marfan syndrome, classic. Identifiers: Orphanet 284963, Orphanet 558, MedGen C0024796, MONDO:0007947, OMIM 154700.
Stiff skin syndrome (SSKS). Identifiers: Orphanet 2833, MedGen C1861456, MONDO:0008492, OMIM 184900.
Progeroid and marfanoid aspect-lipodystrophy syndrome. Also called: MARFANOID-PROGEROID-LIPODYSTROPHY SYNDROME; Marfan lipodystrophy syndrome; MARFANOID-PROGEROID SYNDROME; MARFAN-PROGEROID-LIPODYSTROPHY SYNDROME. Identifiers: Orphanet 300382, MedGen C4310796, MONDO:0014831, OMIM 616914.
Familial thoracic aortic aneurysm and aortic dissection (TAAD). Also called: Thoracic aortic aneurysms and dissections. Identifiers: Orphanet 91387, MedGen C4707243, MONDO:0019625.

Allele frequency attached by ClinVar (database versions not stated): gnomAD exomes below 0.00001; TOPMed below 0.00001; ExAC 0.00001; 1000 Genomes Project 0.00020; gnomAD 0.00001; 1000 Genomes Project 30x 0.00016.
gnomAD v4.1: 3 of 1,613,702 alleles (0.00019%); highest among the groups gnomAD compares: Admixed American, 0.0017%; no homozygotes.

Submissions (5):

Color Diagnostics, LLC DBA Color Health
Classification: Uncertain significance for Familial thoracic aortic aneurysm and aortic dissection. Last evaluated: 2025-07-15. Review status: criteria provided, single submitter. Criteria: ACMG Guidelines, 2015. Collection method: clinical testing. Allele origin: germline.
Comment: This missense variant replaces isoleucine with valine at codon 1999 of the FBN1 protein. Computational prediction suggests that this variant may not impact protein structure and function. To our knowledge, functional studies have not been reported for this variant. This variant has not been reported in individuals affected with FBN1-related disorders in the literature. This variant has not been identified in the general population by the Genome Aggregation Database (gnomAD). The available evidence is insufficient to determine the role of this variant in disease conclusively. Therefore, this variant is classified as a Variant of Uncertain Significance.

Ambry Genetics
Classification: Uncertain significance for Familial thoracic aortic aneurysm and aortic dissection. Last evaluated: 2025-03-06. Review status: criteria provided, single submitter. Criteria: Ambry Variant Classification Scheme 2023. Collection method: clinical testing. Allele origin: germline.
Comment: The p.I1999V variant (also known as c.5995A>G), located in coding exon 48 of the FBN1 gene, results from an A to G substitution at nucleotide position 5995. The isoleucine at codon 1999 is replaced by valine, an amino acid with highly similar properties. This amino acid position is highly conserved in available vertebrate species. In addition, the in silico prediction for this alteration is inconclusive. Based on the available evidence, the clinical significance of this variant remains unclear.

All of Us Research Program, National Institutes of Health
Classification: Uncertain significance for Marfan syndrome. Last evaluated: 2023-02-10. Review status: criteria provided, single submitter. Criteria: ACMG Guidelines, 2015. Collection method: clinical testing. Allele origin: germline. Inheritance: Autosomal dominant inheritance. Observed: 1 variant allele, 1 heterozygote.
Comment: This missense variant replaces isoleucine with valine at codon 1999 of the FBN1 protein. Computational prediction suggests that this variant may not impact protein structure and function (internally defined REVEL score threshold <= 0.5, PMID: 27666373). Splice site prediction tools suggest that this variant may not impact RNA splicing. To our knowledge, functional studies have not been performed for this variant. This variant has not been reported in individuals affected with cardiovascular disorders in the literature. This variant has not been identified in the general population by the Genome Aggregation Database (gnomAD). The available evidence is insufficient to determine the role of this variant in disease conclusively. Therefore, this variant is classified as a Variant of Uncertain Significance.

This study involves interpretation of variants in research participants for the purpose of population health screening. Participant phenotype was not available at the time of variant classification. Additional details can be found in publication PMID: 35346344, PMCID: PMC8962531

Labcorp Genetics (formerly Invitae), Labcorp
Classification: Uncertain significance for Marfan syndrome; Familial thoracic aortic aneurysm and aortic dissection. Last evaluated: 2022-01-04. Review status: criteria provided, single submitter. Criteria: Invitae Variant Classification Sherloc (09022015). Collection method: clinical testing. Allele origin: germline.
Comment: In summary, the available evidence is currently insufficient to determine the role of this variant in disease. Therefore, it has been classified as a Variant of Uncertain Significance. Algorithms developed to predict the effect of missense changes on protein structure and function are either unavailable or do not agree on the potential impact of this missense change (SIFT: "Deleterious"; PolyPhen-2: "Benign"; Align-GVGD: "Class C0"). ClinVar contains an entry for this variant (Variation ID: 835183). This variant has not been reported in the literature in individuals affected with FBN1-related conditions. This variant is present in population databases (rs183690919, gnomAD no frequency). This sequence change replaces isoleucine, which is neutral and non-polar, with valine, which is neutral and non-polar, at codon 1999 of the FBN1 protein (p.Ile1999Val).

Fulgent Genetics
Classification: Uncertain significance for Acromicric dysplasia; Ectopia lentis 1, isolated, autosomal dominant; Marfan syndrome; Stiff skin syndrome; MASS syndrome; Weill-Marchesani syndrome 2, dominant; Geleophysic dysplasia 2; Progeroid and marfanoid aspect-lipodystrophy syndrome. Last evaluated: 2021-07-20. Review status: criteria provided, single submitter. Criteria: ACMG Guidelines, 2015. Collection method: clinical testing. Allele origin: unknown.

NM_000138.5(FBN1):c.5995A>G (p.Ile1999Val)

Gene: FBN1 (fibrillin 1; minus strand). Cytogenetic location: 15q21.1.
Variant type: single nucleotide variant.
Coding change: c.5995A>G on transcript NM_000138.5 (MANE Select); coding-DNA position 5995, A replaced by G.
Protein change: p.Ile1999Val; replaces isoleucine 1999 with valine.
Molecular consequence: missense variant.
Genome position (GRCh38, 1-based): chr15:48,444,583, T>C on the plus strand (A>G on the coding strand, the complement: FBN1 is on the minus strand). VCF-style: chr15-48444583-T-C. GRCh37 (hg19) VCF-style: chr15-48736780-T-C.
Other names: short protein forms I1999V.
Identifiers: ClinVar variation 835183 (VCV000835183.17), dbSNP rs183690919, ClinGen allele CA055941.